The following is an entry in ClinVar:

ClinVar aggregate classification (germline): Likely benign (1 of 4 stars; one submission).

Allele frequency attached by ClinVar (database versions not stated): gnomAD exomes below 0.00001 and 0.00001; gnomAD 0.00001; TOPMed 0.00001.
gnomAD v4.1: 15 of 1,613,800 alleles (0.00093%); highest among the groups gnomAD compares: Non-Finnish European, 0.0013%; no homozygotes.

Submission:

GeneDx
Classification: Likely benign. Last evaluated: 2018-03-23. Review status: criteria provided, single submitter. Criteria: GeneDx Variant Classification (06012015). Collection method: clinical testing. Allele origin: germline. Affected: yes.
Comment: This variant is considered likely benign or benign based on one or more of the following criteria: it is a conservative change, it occurs at a poorly conserved position in the protein, it is predicted to be benign by multiple in silico algorithms, and/or has population frequency not consistent with disease.

NM_001267550.2(TTN):c.30454C>T (p.Arg10152Trp)

Gene: TTN (titin; minus strand). Cytogenetic location: 2q31.2.
Variant type: single nucleotide variant.
Coding change: c.30454C>T on transcript NM_001267550.2 (MANE Select); coding-DNA position 30454, C replaced by T.
Protein change: p.Arg10152Trp; replaces arginine 10152 with tryptophan.
Molecular consequence: missense variant. On other transcripts: intron variant (3).
Genome position (GRCh38, 1-based): chr2:178,702,225, G>A on the plus strand (C>T on the coding strand, the complement: TTN is on the minus strand). VCF-style: chr2-178702225-G-A. GRCh37 (hg19) VCF-style: chr2-179566952-G-A.
Other names: c.29503C>T, p.Arg9835Trp (NM_001256850.1); c.26722C>T, p.Arg8908Trp (NM_133378.4); c.13282+35857C>T (NM_003319.4); c.13858+35857C>T (NM_133437.4); c.13657+35857C>T (NM_133432.3); short protein forms R10152W, R9835W, R8908W.
Identifiers: ClinVar variation 681113 (VCV000681113.1), dbSNP rs1005491217, ClinGen allele CA60997717.